The following is an entry in ClinVar:

NM_020366.4(RPGRIP1):c.1467+1G>A

Gene: RPGRIP1 (RPGR interacting protein 1; plus strand). Cytogenetic location: 14q11.2.
Variant type: single nucleotide variant.
Coding change: c.1467+1G>A on transcript NM_020366.4 (MANE Select); the canonical splice donor site of the intron after coding-DNA position 1467, G replaced by A.
Molecular consequence: splice donor variant.
Genome position (GRCh38, 1-based): chr14:21,320,178, G>A. VCF-style: chr14-21320178-G-A. GRCh37 (hg19) VCF-style: chr14-21788337-G-A.
Other names: c.393+1G>A (NM_001377948.1, NM_001377949.1, NM_001377523.1 and 1 more transcripts); c.-106+1G>A (NM_001377951.1).
Identifiers: ClinVar variation 964340 (VCV000964340.9), dbSNP rs1167313603, ClinGen allele CA388864929.

ClinVar aggregate classification (germline): Pathogenic/Likely pathogenic. Review status: criteria provided, multiple submitters, no conflicts (2 of 4 stars). 2 submissions from 2 submitters: Pathogenic (1); Likely pathogenic (1). Last evaluated 2026-06-18.

Conditions:
Leber congenital amaurosis 6 (LCA6). Identifiers: Orphanet 65, MedGen C1854260, MONDO:0013446, OMIM 613826.
Cone-rod dystrophy 13 (CORD13). Identifiers: Orphanet 1872, MedGen C2750720, MONDO:0011987, OMIM 608194.

Allele frequency attached by ClinVar (database versions not stated): gnomAD exomes 0.00001.
gnomAD v4.1: 3 of 1,613,316 alleles (0.00019%); highest among the groups gnomAD compares: Non-Finnish European, 0.000085%; no homozygotes.

Submissions (2):

Kasturba Medical College, Manipal, Kasturba Medical College, Manipal, Manipal Academy of Higher Education, Manipal, India
Classification: Pathogenic for Cone-rod dystrophy 13. Last evaluated: 2026-06-18. Review status: criteria provided, single submitter. Criteria: ACMG Guidelines, 2015. Collection method: research. Allele origin: biparental. Inheritance: Autosomal recessive inheritance. Affected: yes. Observed: 1 variant allele, 1 homozygote.
Comment: This variant is present in three individuals (allele frequency: 0.000001860) in heterozygous state in gnomAD (v4.1.0) population database. This variant is absent in our in-house data of 4287 exomes.

Labcorp Genetics (formerly Invitae), Labcorp
Classification: Likely pathogenic for Leber congenital amaurosis 6; Cone-rod dystrophy 13. Last evaluated: 2022-06-13. Review status: criteria provided, single submitter. Criteria: Invitae Variant Classification Sherloc (09022015). Collection method: clinical testing. Allele origin: germline.
Comment: Algorithms developed to predict the effect of sequence changes on RNA splicing suggest that this variant may disrupt the consensus splice site. ClinVar contains an entry for this variant (Variation ID: 964340). This variant has not been reported in the literature in individuals affected with RPGRIP1-related conditions. This variant is present in population databases (no rsID available, gnomAD 0.002%). This sequence change affects a donor splice site in intron 11 of the RPGRIP1 gene. It is expected to disrupt RNA splicing. Variants that disrupt the donor or acceptor splice site typically lead to a loss of protein function (PMID: 16199547), and loss-of-function variants in RPGRIP1 are known to be pathogenic (PMID: 11528500, 23105016). In summary, the currently available evidence indicates that the variant is pathogenic, but additional data are needed to prove that conclusively. Therefore, this variant has been classified as Likely Pathogenic.

Literature cited by the submitters: PubMed 16199547 (cited by Labcorp Genetics (formerly Invitae), Labcorp); PubMed 11528500 (cited by Labcorp Genetics (formerly Invitae), Labcorp); PubMed 23105016 (cited by Labcorp Genetics (formerly Invitae), Labcorp).